The following is an entry in ClinVar:

ClinVar aggregate classification (germline): Uncertain significance (1 of 4 stars; one submission).

Submission:

Labcorp Genetics (formerly Invitae), Labcorp
Classification: Uncertain significance. Last evaluated: 2025-03-09. Review status: criteria provided, single submitter. Criteria: Invitae Variant Classification Sherloc (09022015). Collection method: clinical testing. Allele origin: germline.
Comment: This sequence change affects the initiator methionine of the MAD2L2 mRNA. The next in-frame methionine is located at codon 54. This variant is present in population databases (rs754389402, gnomAD 0.003%). This variant has not been reported in the literature in individuals affected with MAD2L2-related conditions. ClinVar contains an entry for this variant (Variation ID: 2888080). Experimental studies and prediction algorithms are not available or were not evaluated, and the functional significance of this variant is currently unknown. In summary, the available evidence is currently insufficient to determine the role of this variant in disease. Therefore, it has been classified as a Variant of Uncertain Significance.

NM_006341.4(MAD2L2):c.-3_1dup (p.Met1fs)

Gene: MAD2L2 (mitotic arrest deficient 2 like 2; minus strand). Cytogenetic location: 1p36.22.
Variant type: Duplication.
Coding change: c.-3_1dup on transcript NM_006341.4 (MANE Select); 3 bases upstream of the start codon through coding-DNA position 1, 4 bases duplicated (AGGA; older notation c.-3_1dupAGGA).
Protein change: p.Met1fs; shifts the reading frame from methionine 1.
Molecular consequence: frameshift variant, initiator codon variant.
Genome position (GRCh38, 1-based): chr1:11,680,601-11,680,604, TCCT duplicated on the plus strand (AGGA on the coding strand, the reverse complement: MAD2L2 is on the minus strand); duplicating any 4 consecutive bases within chr1:11,680,601-11,680,607 gives the same sequence; the c. name uses the placement nearest the transcript's 3' end. VCF-style (leftmost placement, unchanged base first): chr1-11680600-A-ATCCT. GRCh37 (hg19) VCF-style: chr1-11740657-A-ATCCT.
Other names: c.-3_1dup, p.Met1fs (NM_001127325.2); short protein forms M1fs.
Identifiers: ClinVar variation 2888080 (VCV002888080.3), dbSNP rs754389402, ClinGen allele CA593949.